The following is an entry in ClinVar:

NM_133433.4(NIPBL):c.3479C>T (p.Ser1160Phe)

Gene: NIPBL (NIPBL cohesin loading factor; plus strand). Cytogenetic location: 5p13.2.
Variant type: single nucleotide variant.
Coding change: c.3479C>T on transcript NM_133433.4 (MANE Select); coding-DNA position 3479, C replaced by T.
Protein change: p.Ser1160Phe; replaces serine 1160 with phenylalanine.
Molecular consequence: missense variant.
Genome position (GRCh38, 1-based): chr5:37,000,547, C>T. VCF-style: chr5-37000547-C-T. GRCh37 (hg19) VCF-style: chr5-37000649-C-T.
Other names: c.3479C>T, p.Ser1160Phe (NM_015384.5); short protein forms S1160F.
Identifiers: ClinVar variation 2632524 (VCV002632524.2), dbSNP rs2478079506, ClinGen allele CA359517980.

ClinVar aggregate classification (germline): Uncertain significance. Review status: criteria provided, multiple submitters, no conflicts (2 of 4 stars). 2 submissions from 2 submitters: Uncertain significance (2). Last evaluated 2023-05-31.

Conditions:
NIPBL-related disorder. Also called: NIPBL-related condition.

Submissions (2):

PreventionGenetics, part of Exact Sciences
Classification: Uncertain significance for NIPBL-related condition. Last evaluated: 2023-05-31. Review status: criteria provided, single submitter. Criteria: ACMG Guidelines, 2015. Collection method: clinical testing. Allele origin: germline.
Comment: The NIPBL c.3479C>T variant is predicted to result in the amino acid substitution p.Ser1160Phe. To our knowledge, this variant has not been reported in the literature or in a large population database, indicating this variant is rare. At this time, the clinical significance of this variant is uncertain due to the absence of conclusive functional and genetic evidence.

Blueprint Genetics
Classification: Uncertain significance. Last evaluated: 2020-05-14. Review status: criteria provided, single submitter. Criteria: ACMG Guidelines, 2015. Collection method: clinical testing. Allele origin: germline.